The following is an entry in ClinVar:

NM_206933.4(USH2A):c.14380G>A (p.Gly4794Ser)

Gene: USH2A (usherin; minus strand). Cytogenetic location: 1q41.
Variant type: single nucleotide variant.
Coding change: c.14380G>A on transcript NM_206933.4 (MANE Select); coding-DNA position 14380, G replaced by A.
Protein change: p.Gly4794Ser; replaces glycine 4794 with serine.
Molecular consequence: missense variant.
Genome position (GRCh38, 1-based): chr1:215,648,730, C>T on the plus strand (G>A on the coding strand, the complement: USH2A is on the minus strand). VCF-style: chr1-215648730-C-T. GRCh37 (hg19) VCF-style: chr1-215822072-C-T.
Other names: c.14380G>A (NM_206933.2); short protein forms G4794S.
Identifiers: ClinVar variation 1513938 (VCV001513938.5), dbSNP rs138488003, ClinGen allele CA1393027.

ClinVar aggregate classification (germline): Uncertain significance. Review status: criteria provided, multiple submitters, no conflicts (2 of 4 stars). 2 submissions from 2 submitters: Uncertain significance (2). Last evaluated 2025-01-13.

Conditions:
Inborn genetic diseases. Identifiers: MedGen C0950123, MeSH D030342.

Allele frequency attached by ClinVar (database versions not stated): ExAC 0.00003; gnomAD exomes 0.00003 and 0.00008; TOPMed 0.00004; gnomAD 0.00006 and 0.00007; 1000 Genomes Project 30x 0.00016; 1000 Genomes Project 0.00020.
gnomAD v4.1: 124 of 1,614,108 alleles (0.0077%); highest among the groups gnomAD compares: Non-Finnish European, 0.01%; no homozygotes.

Submissions (2):

Labcorp Genetics (formerly Invitae), Labcorp
Classification: Uncertain significance. Last evaluated: 2025-01-13. Review status: criteria provided, single submitter. Criteria: Invitae Variant Classification Sherloc (09022015). Collection method: clinical testing. Allele origin: germline.
Comment: This sequence change replaces glycine, which is neutral and non-polar, with serine, which is neutral and polar, at codon 4794 of the USH2A protein (p.Gly4794Ser). This variant is present in population databases (rs138488003, gnomAD 0.006%). This variant has not been reported in the literature in individuals affected with USH2A-related conditions. ClinVar contains an entry for this variant (Variation ID: 1513938). Invitae Evidence Modeling of protein sequence and biophysical properties (such as structural, functional, and spatial information, amino acid conservation, physicochemical variation, residue mobility, and thermodynamic stability) indicates that this missense variant is not expected to disrupt USH2A protein function with a negative predictive value of 95%. In summary, the available evidence is currently insufficient to determine the role of this variant in disease. Therefore, it has been classified as a Variant of Uncertain Significance.

Ambry Genetics
Classification: Uncertain significance for Inborn genetic diseases. Last evaluated: 2024-02-27. Review status: criteria provided, single submitter. Criteria: Ambry Variant Classification Scheme 2023. Collection method: clinical testing. Allele origin: germline.